The following is an entry in ClinVar:

ClinVar aggregate classification (germline): Uncertain significance. Review status: criteria provided, multiple submitters, no conflicts (2 of 4 stars). 3 submissions from 3 submitters: Uncertain significance (3). Last evaluated 2025-10-05.

Conditions:
IRF2BP2-related disorder. Also called: IRF2BP2-related condition.

Allele frequency attached by ClinVar (database versions not stated): gnomAD 0.00001; gnomAD exomes 0.00001; TOPMed 0.00001.

Submissions (3):

Labcorp Genetics (formerly Invitae), Labcorp
Classification: Uncertain significance. Last evaluated: 2025-10-05. Review status: criteria provided, single submitter. Criteria: Invitae Variant Classification Sherloc (09022015). Collection method: clinical testing. Allele origin: germline.
Comment: This sequence change replaces glycine, which is neutral and non-polar, with aspartic acid, which is acidic and polar, at codon 268 of the IRF2BP2 protein (p.Gly268Asp). The frequency data for this variant in the population databases is considered unreliable, as metrics indicate poor data quality at this position in the gnomAD database. This missense change has been observed in individual(s) with clinical features of common variable immunodeficiency (PMID: 40090425). ClinVar contains an entry for this variant (Variation ID: 1505505). An algorithm developed to predict the effect of missense changes on protein structure and function (PolyPhen-2) suggests that this variant is likely to be tolerated. In summary, the available evidence is currently insufficient to determine the role of this variant in disease. Therefore, it has been classified as a Variant of Uncertain Significance.

PreventionGenetics, part of Exact Sciences
Classification: Uncertain significance for IRF2BP2-related condition. Last evaluated: 2025-03-07. Review status: criteria provided, single submitter. Criteria: ACMG Guidelines, 2015. Collection method: clinical testing. Allele origin: germline.
Comment: The IRF2BP2 c.803G>A variant is predicted to result in the amino acid substitution p.Gly268Asp. To our knowledge, this variant has not been reported in the literature. This variant is reported in 0.0022% of alleles in individuals of European (Non-Finnish) descent in gnomAD. At this time, the clinical significance of this variant is uncertain due to the absence of conclusive functional and genetic evidence.

Ambry Genetics
Classification: Uncertain significance. Last evaluated: 2024-06-17. Review status: criteria provided, single submitter. Criteria: Ambry Variant Classification Scheme 2023. Collection method: clinical testing. Allele origin: germline.

Literature cited by the submitters: PubMed 40090425 (cited by Labcorp Genetics (formerly Invitae), Labcorp).

NM_182972.3(IRF2BP2):c.803G>A (p.Gly268Asp)

Gene: IRF2BP2 (interferon regulatory factor 2 binding protein 2; minus strand). Cytogenetic location: 1q42.3.
Variant type: single nucleotide variant.
Coding change: c.803G>A on transcript NM_182972.3 (MANE Select); coding-DNA position 803, G replaced by A.
Protein change: p.Gly268Asp; replaces glycine 268 with aspartic acid.
Molecular consequence: missense variant.
Genome position (GRCh38, 1-based): chr1:234,608,692, C>T on the plus strand (G>A on the coding strand, the complement: IRF2BP2 is on the minus strand). VCF-style: chr1-234608692-C-T. GRCh37 (hg19) VCF-style: chr1-234744438-C-T.
Other names: c.803G>A, p.Gly268Asp (NM_001077397.1); c.803G>A (NM_182972.2); short protein forms G268D.
Identifiers: ClinVar variation 1505505 (VCV001505505.10), dbSNP rs778030761, ClinGen allele CA1461773.
Genomic context (GRCh38, chr1:234,608,692, plus strand): 5'-CCCGCACCTTCCGCGCTCAGCTCGGCGGCCCCGGCCGCGGTGGACAGGCTGTCGGCCGGG[C>T]CCCGGTGCGCAGGCGGCGGCGGTTGTTTCTCCTTGGCTGCCGCCTCACGCTGCTCGTGCT-3'
Protein context (NP_892017.2, residues 258-278): EKQPPPPAHR[Gly268Asp]PADSLSTAAG